The following is an entry in ClinVar:

NM_016058.5(TPRKB):c.286T>A (p.Phe96Ile)

Gene: TPRKB (TP53RK binding protein; minus strand). Cytogenetic location: 2p13.1.
Variant type: single nucleotide variant.
Coding change: c.286T>A on transcript NM_016058.5 (MANE Select); coding-DNA position 286, T replaced by A.
Protein change: p.Phe96Ile; replaces phenylalanine 96 with isoleucine.
Molecular consequence: missense variant.
Genome position (GRCh38, 1-based): chr2:73,730,715, A>T on the plus strand (T>A on the coding strand, the complement: TPRKB is on the minus strand). VCF-style: chr2-73730715-A-T. GRCh37 (hg19) VCF-style: chr2-73957842-A-T.
Other names: c.403T>A, p.Phe135Ile (NM_001330386.2, NM_001330387.2); c.286T>A, p.Phe96Ile (NM_001330388.2, NM_001330389.2); c.232T>A, p.Phe78Ile (NM_001330390.2); c.187T>A, p.Phe63Ile (NM_001330391.2, NM_001330392.2); short protein forms F135I, F96I, F63I, F78I.
Identifiers: ClinVar variation 2888898 (VCV002888898.3), dbSNP rs769029364, ClinGen allele CA1716400.
Genomic context (GRCh38, chr2:73,730,715, plus strand): 5'-GTTTTTCTCCCTCTTCAATGTAAACAATTAGAATTGAAGTGTCATTTGCTGAGATACCAA[A>T]TTTTTTCAAAGCCTCTGAAATCTAAGAGAAAAAAAATGAAAAAAAAAACACAAGATCATT-3'
Protein context (NP_057142.1, residues 86-106): NNNISEALKK[Phe96Ile]GISANDTSIL

ClinVar aggregate classification (germline): Uncertain significance (1 of 4 stars; one submission).

Allele frequency attached by ClinVar (database versions not stated): TOPMed below 0.00001.
gnomAD v4.1: 1 of 1,525,466 alleles (0.000066%); highest among the groups gnomAD compares: Admixed American, 0.0026%; no homozygotes.

Submission:

Labcorp Genetics (formerly Invitae), Labcorp
Classification: Uncertain significance. Last evaluated: 2023-12-17. Review status: criteria provided, single submitter. Criteria: Invitae Variant Classification Sherloc (09022015). Collection method: clinical testing. Allele origin: germline.
Comment: This sequence change replaces phenylalanine, which is neutral and non-polar, with isoleucine, which is neutral and non-polar, at codon 96 of the TPRKB protein (p.Phe96Ile). This variant is not present in population databases (gnomAD no frequency). This variant has not been reported in the literature in individuals affected with TPRKB-related conditions. An algorithm developed to predict the effect of missense changes on protein structure and function (PolyPhen-2) suggests that this variant is likely to be disruptive. In summary, the available evidence is currently insufficient to determine the role of this variant in disease. Therefore, it has been classified as a Variant of Uncertain Significance.